The following is an entry in ClinVar:

ClinVar aggregate classification (germline): Uncertain significance (1 of 4 stars; one submission).

Conditions:
MCCC2-related disorder. Also called: MCCC2-related condition.

gnomAD v4.1: 5 of 1,614,052 alleles (0.00031%); highest among the groups gnomAD compares: Non-Finnish European, 0.00042%; no homozygotes.

Submission:

PreventionGenetics, part of Exact Sciences
Classification: Uncertain significance for MCCC2-related condition. Last evaluated: 2025-07-24. Review status: criteria provided, single submitter. Criteria: ACMG Guidelines, 2015. Collection method: clinical testing. Allele origin: germline.
Comment: The MCCC2 c.1466A>T variant is predicted to result in the amino acid substitution p.Gln489Leu. To our knowledge, this variant has not been reported in the literature or in a large population database (gnomAD), indicating this variant is rare. At this time, the clinical significance of this variant is uncertain due to the absence of conclusive functional and genetic evidence.

NM_022132.5(MCCC2):c.1466A>T (p.Gln489Leu)

Gene: MCCC2 (methylcrotonyl-CoA carboxylase subunit 2; plus strand). Cytogenetic location: 5q13.2.
Variant type: single nucleotide variant.
Coding change: c.1466A>T on transcript NM_022132.5 (MANE Select); coding-DNA position 1466, A replaced by T.
Protein change: p.Gln489Leu; replaces glutamine 489 with leucine.
Molecular consequence: missense variant.
Genome position (GRCh38, 1-based): chr5:71,650,161, A>T. VCF-style: chr5-71650161-A-T. GRCh37 (hg19) VCF-style: chr5-70945988-A-T.
Other names: c.1352A>T, p.Gln451Leu (NM_001363147.1); short protein forms Q451L, Q489L.
Identifiers: ClinVar variation 4978732 (VCV004978732.1).